The following is an entry in ClinVar:

ClinVar aggregate classification (germline): Uncertain significance. Review status: criteria provided, multiple submitters, no conflicts (2 of 4 stars). 2 submissions from 2 submitters: Uncertain significance (2). Last evaluated 2023-10-19.

Conditions:
POLD1-related polyposis and colorectal cancer syndrome (CRCS10). Also called: Colorectal cancer 10; COLORECTAL CANCER, SUSCEPTIBILITY TO, ON CHROMOSOME 19q; Colorectal cancer, susceptibility to, 10. Identifiers: Orphanet 220460, MedGen C2675481, MONDO:0012953, OMIM 612591.

Submissions (2):

GeneDx
Classification: Uncertain significance. Last evaluated: 2023-10-19. Review status: criteria provided, single submitter. Criteria: GeneDx Variant Classification Process June 2021. Collection method: clinical testing. Allele origin: germline. Affected: yes.
Comment: Not observed at significant frequency in large population cohorts (gnomAD); In silico analysis supports that this variant does not alter splicing; Has not been previously published as pathogenic or benign to our knowledge

Labcorp Genetics (formerly Invitae), Labcorp
Classification: Uncertain significance for POLD1-related polyposis and colorectal cancer syndrome. Last evaluated: 2023-08-05. Review status: criteria provided, single submitter. Criteria: Invitae Variant Classification Sherloc (09022015). Collection method: clinical testing. Allele origin: germline.
Comment: This sequence change falls in intron 8 of the POLD1 gene. It does not directly change the encoded amino acid sequence of the POLD1 protein. It affects a nucleotide within the consensus splice site. This variant is not present in population databases (gnomAD no frequency). This variant has not been reported in the literature in individuals affected with POLD1-related conditions. Variants that disrupt the consensus splice site are a relatively common cause of aberrant splicing (PMID: 17576681, 9536098). Algorithms developed to predict the effect of sequence changes on RNA splicing suggest that this variant is not likely to affect RNA splicing. In summary, the available evidence is currently insufficient to determine the role of this variant in disease. Therefore, it has been classified as a Variant of Uncertain Significance.

Literature cited by the submitters: PubMed 17576681 (cited by Labcorp Genetics (formerly Invitae), Labcorp); PubMed 9536098 (cited by Labcorp Genetics (formerly Invitae), Labcorp).

NM_002691.4(POLD1):c.971-3C>T

Gene: POLD1 (DNA polymerase delta 1, catalytic subunit; plus strand). Cytogenetic location: 19q13.33.
Variant type: single nucleotide variant.
Coding change: c.971-3C>T on transcript NM_002691.4 (MANE Select); 3 bases into the intron before coding-DNA position 971, C replaced by T.
Molecular consequence: intron variant.
Genome position (GRCh38, 1-based): chr19:50,403,050, C>T. VCF-style: chr19-50403050-C-T. GRCh37 (hg19) VCF-style: chr19-50906307-C-T.
Other names: c.971-3C>T (NM_001256849.1, NM_001308632.1).
Identifiers: ClinVar variation 2916537 (VCV002916537.4), dbSNP rs2513972633, ClinGen allele CA2586569224.
Genomic context (GRCh38, chr19:50,403,050, plus strand): 5'-GCCTCCCTGCTGTGTTGGGAGTGAGGGGCAGGAGTCAGGCCCCTGCATCCTCCTGCCTCG[C>T]AGGCATCTTCCCTGAGCCTGAGCGGGACCCTGTCATCCAGATCTGCTCGCTGGGCCTGCG-3'